The following is an entry in ClinVar:

NM_020693.4(DSCAML1):c.3268C>T (p.Pro1090Ser)

Gene: DSCAML1 (DS cell adhesion molecule like 1; minus strand). Cytogenetic location: 11q23.3.
Variant type: single nucleotide variant.
Coding change: c.3268C>T on transcript NM_020693.4 (MANE Select); coding-DNA position 3268, C replaced by T.
Protein change: p.Pro1090Ser; replaces proline 1090 with serine.
Molecular consequence: missense variant.
Genome position (GRCh38, 1-based): chr11:117,461,594, G>A on the plus strand (C>T on the coding strand, the complement: DSCAML1 is on the minus strand). VCF-style: chr11-117461594-G-A. GRCh37 (hg19) VCF-style: chr11-117332310-G-A.
Other names: short protein forms P1090S.
Identifiers: ClinVar variation 2022137 (VCV002022137.4), dbSNP rs2543096048, ClinGen allele CA382737429.

ClinVar aggregate classification (germline): Uncertain significance (1 of 4 stars; one submission).

Submission:

Labcorp Genetics (formerly Invitae), Labcorp
Classification: Uncertain significance. Last evaluated: 2022-08-06. Review status: criteria provided, single submitter. Criteria: Invitae Variant Classification Sherloc (09022015). Collection method: clinical testing. Allele origin: germline.
Comment: In summary, the available evidence is currently insufficient to determine the role of this variant in disease. Therefore, it has been classified as a Variant of Uncertain Significance. Algorithms developed to predict the effect of missense changes on protein structure and function (SIFT, PolyPhen-2, Align-GVGD) all suggest that this variant is likely to be disruptive. This variant has not been reported in the literature in individuals affected with DSCAML1-related conditions. This variant is not present in population databases (gnomAD no frequency). This sequence change replaces proline, which is neutral and non-polar, with serine, which is neutral and polar, at codon 1150 of the DSCAML1 protein (p.Pro1150Ser).